The following is an entry in ClinVar:

NM_001386140.1(MTTP):c.373del (p.Leu125fs)

Gene: MTTP (microsomal triglyceride transfer protein; plus strand). Cytogenetic location: 4q23.
Variant type: Deletion.
Coding change: c.373del on transcript NM_001386140.1 (MANE Select); coding-DNA position 373, one base deleted (C; older notation c.373delC).
Protein change: p.Leu125fs; shifts the reading frame from leucine 125.
Molecular consequence: frameshift variant.
Genome position (GRCh38, 1-based): chr4:99,583,497, C deleted; the last of 2 consecutive C bases (chr4:99,583,496-99,583,497); deleting either gives the same sequence. VCF-style (leftmost placement, unchanged base first): chr4-99583495-TC-T. GRCh37 (hg19) VCF-style: chr4-100504652-TC-T.
Other names: c.373del (NM_000253.3); c.373del, p.Leu125fs (NM_000253.4); c.124del, p.Leu42fs (NM_001300785.2); short protein forms L125fs, L42fs.
Identifiers: ClinVar variation 1073794 (VCV001073794.7), dbSNP rs2110212747, ClinGen allele CA2499217352.

ClinVar aggregate classification (germline): Pathogenic/Likely pathogenic. Review status: criteria provided, multiple submitters, no conflicts (2 of 4 stars). 3 submissions from 3 submitters: Pathogenic (2); Likely pathogenic (1). Last evaluated 2025-11-10.

Conditions:
Abetalipoproteinaemia (ABL). Also called: MTP DEFICIENCY; Abetalipoproteinemia; Abetalipoproteinemia neuropathy; Apolipoprotein B deficiency; Congenital betalipoprotein deficiency syndrome. Identifiers: Orphanet 14, MedGen C0000744, MONDO:0008692, OMIM 200100, HP:0008181.

Submissions (3):

Institute of Human Genetics, University of Leipzig Medical Center
Classification: Pathogenic for Abetalipoproteinaemia. Last evaluated: 2025-11-10. Review status: criteria provided, single submitter. Criteria: ACMG Guidelines, 2015. Collection method: clinical testing. Allele origin: unknown. Inheritance: Autosomal recessive inheritance. Affected: yes.
Comment: Criteria applied: PVS1,PM2

Natera, Inc.
Classification: Likely pathogenic for Abetalipoproteinemia. Last evaluated: 2024-11-19. Review status: criteria provided, single submitter. Criteria: Natera Variant Classification Schema (03/2026). Collection method: clinical testing. Allele origin: germline.
Comment: The c.373del variant in MTTP is a frameshift variant predicted to shift the reading frame beginning at codon 125 and leads to a stop codon 3 codons downstream. This variant is expected to result in nonsense mediated decay, truncation, or a dysfunctional protein product. This variant is rare in the general population with a frequency below the threshold expected for the associated phenotype(s). Given the available evidence, this variant is classified as Likely Pathogenic.

Labcorp Genetics (formerly Invitae), Labcorp
Classification: Pathogenic. Last evaluated: 2024-10-30. Review status: criteria provided, single submitter. Criteria: Invitae Variant Classification Sherloc (09022015). Collection method: clinical testing. Allele origin: germline.
Comment: This sequence change creates a premature translational stop signal (p.Leu125Phefs*3) in the MTTP gene. It is expected to result in an absent or disrupted protein product. Loss-of-function variants in MTTP are known to be pathogenic (PMID: 8533758, 9671739). This variant is not present in population databases (gnomAD no frequency). This variant has not been reported in the literature in individuals affected with MTTP-related conditions. ClinVar contains an entry for this variant (Variation ID: 1073794). For these reasons, this variant has been classified as Pathogenic.

Literature cited by the submitters: PubMed 8533758 (cited by Labcorp Genetics (formerly Invitae), Labcorp); PubMed 9671739 (cited by Labcorp Genetics (formerly Invitae), Labcorp).